The following is an entry in ClinVar:

ClinVar aggregate classification (germline): Conflicting classifications of pathogenicity. Review status: criteria provided, conflicting classifications (1 of 4 stars). 6 submissions from 6 submitters: Pathogenic (2); Likely pathogenic (2); Uncertain significance (2). Last evaluated 2026-04-01.

Conditions:
TULP1-related disorder. Also called: TULP1-related condition; TULP1-related disorders.
Leber congenital amaurosis 15 (LCA15). Identifiers: Orphanet 65, MedGen C3151206, MONDO:0013457, OMIM 613843.

Allele frequency attached by ClinVar (database versions not stated): ExAC 0.00001; gnomAD exomes 0.00001; TOPMed 0.00001.
gnomAD v4.1: 11 of 1,612,642 alleles (0.00068%); highest among the groups gnomAD compares: Admixed American, 0.0017%; no homozygotes.

Submissions (6):

Department of Genetics, Sultan Qaboos University Hospital
Classification: Pathogenic for Leber congenital amaurosis 15. Last evaluated: 2026-04-01. Review status: criteria provided, single submitter. Criteria: ACMG Guidelines, 2015. Collection method: clinical testing. Allele origin: germline. Affected: yes. Observed: 1 variant allele.
Comment: PP3_Strong, PP1_Strong, PM5_Moderate, PM2_Supporting

GeneDx
Classification: Uncertain significance. Last evaluated: 2025-07-23. Review status: criteria provided, single submitter. Criteria: GeneDx Variant Classification Process June 2021. Collection method: clinical testing. Allele origin: germline. Affected: yes.
Comment: In silico analysis supports that this missense variant has a deleterious effect on protein structure/function; This variant is associated with the following publications: (PMID: 38892339)

PreventionGenetics, part of Exact Sciences
Classification: Likely pathogenic for TULP1-related condition. Last evaluated: 2025-07-11. Review status: criteria provided, single submitter. Criteria: ACMG Guidelines, 2015. Collection method: clinical testing. Allele origin: germline.
Comment: The TULP1 c.1149C>A variant is predicted to result in the amino acid substitution p.Asp383Glu. This variant has been reported in the homozygous state in an individual with Leber congenital amaurosis (Moya et al. 2024. PubMed ID: 38892339). An alternate missense change at the same amino acid (p.Asp383Tyr) has also been reported in the homozygous state in an individual with retinitis pigmentosa (Table S2, Martin-Merida et al. 2019. PubMed ID: 30902645). This variant is present in 0.020% of alleles in individuals of Ashkenazi Jewish descent in gnomAD. This variant is interpreted as likely pathogenic.

Women's Health and Genetics/Laboratory Corporation of America, LabCorp
Classification: Uncertain significance. Last evaluated: 2025-04-16. Review status: criteria provided, single submitter. Criteria: LabCorp Variant Classification Summary - May 2015. Collection method: clinical testing. Allele origin: germline.
Comment: Variant summary: TULP1 c.1149C>A (p.Asp383Glu) results in a conservative amino acid change in the encoded protein sequence. Four of five in-silico tools predict a damaging effect of the variant on protein function. The variant allele was found at a frequency of 1.2e-05 in 248892 control chromosomes. c.1149C>A has been observed in at least one homozygous individual affected with Leber Congenital Amaurosis (e.g. Moya_2024) and a compound heterozygous individual affected with clinical features of retinitis pigmentosa (Labcorp(formerly Invitae)). These data indicate that the variant may be associated with disease. To our knowledge, no experimental evidence demonstrating an impact on protein function has been reported. The following publication has been ascertained in the context of this evaluation (PMID: 38892339). ClinVar contains an entry for this variant (Variation ID: 1445542). Based on the evidence outlined above, the variant was classified as VUS-possibly pathogenic.

Labcorp Genetics (formerly Invitae), Labcorp
Classification: Pathogenic. Last evaluated: 2025-01-23. Review status: criteria provided, single submitter. Criteria: Invitae Variant Classification Sherloc (09022015). Collection method: clinical testing. Allele origin: germline.
Comment: This sequence change replaces aspartic acid, which is acidic and polar, with glutamic acid, which is acidic and polar, at codon 383 of the TULP1 protein (p.Asp383Glu). This variant is present in population databases (rs764362150, gnomAD 0.02%). This missense change has been observed in individual(s) with clinical features of retinitis pigmentosa (internal data). In at least one individual the data is consistent with being in trans (on the opposite chromosome) from a pathogenic variant. ClinVar contains an entry for this variant (Variation ID: 1445542). Invitae Evidence Modeling of protein sequence and biophysical properties (such as structural, functional, and spatial information, amino acid conservation, physicochemical variation, residue mobility, and thermodynamic stability) indicates that this missense variant is expected to disrupt TULP1 protein function with a positive predictive value of 95%. This variant disrupts the p.Asp383 amino acid residue in TULP1. Other variant(s) that disrupt this residue have been observed in individuals with TULP1-related conditions (PMID: 30902645), which suggests that this may be a clinically significant amino acid residue. For these reasons, this variant has been classified as Pathogenic.

Blueprint Genetics
Classification: Likely pathogenic for TULP1-related disorders. Last evaluated: 2022-11-02. Review status: criteria provided, single submitter. Criteria: ACMG Guidelines, 2015. Collection method: clinical testing. Allele origin: germline. Affected: yes. Observed: 4 variant alleles.

Literature cited by the submitters: PubMed 38892339 (cited by Women's Health and Genetics/Laboratory Corporation of America, LabCorp); PubMed 30902645 (cited by Labcorp Genetics (formerly Invitae), Labcorp).

NM_003322.6(TULP1):c.1149C>A (p.Asp383Glu)

Gene: TULP1 (TUB like protein 1; minus strand). Cytogenetic location: 6p21.31.
Variant type: single nucleotide variant.
Coding change: c.1149C>A on transcript NM_003322.6 (MANE Select); coding-DNA position 1149, C replaced by A.
Protein change: p.Asp383Glu; replaces aspartic acid 383 with glutamic acid.
Molecular consequence: missense variant.
Genome position (GRCh38, 1-based): chr6:35,503,812, G>T on the plus strand (C>A on the coding strand, the complement: TULP1 is on the minus strand). VCF-style: chr6-35503812-G-T. GRCh37 (hg19) VCF-style: chr6-35471589-G-T.
Other names: c.990C>A, p.Asp330Glu (NM_001289395.2); c.1149C>A (NM_003322.3, NM_003322.5); short protein forms D330E, D383E.
Identifiers: ClinVar variation 1445542 (VCV001445542.12), dbSNP rs764362150, ClinGen allele CA3772640.